The following is an entry in ClinVar:

NM_017752.3(TBC1D8B):c.2256A>G (p.Lys752=)

Gene: TBC1D8B (TBC1 domain family member 8B; plus strand). Cytogenetic location: Xq22.3.
Variant type: single nucleotide variant.
Coding change: c.2256A>G on transcript NM_017752.3 (MANE Select); coding-DNA position 2256, A replaced by G.
Protein change: p.Lys752=; no amino-acid change (lysine 752 retained).
Molecular consequence: synonymous variant.
Genome position (GRCh38, 1-based): chrX:106,854,200, A>G. VCF-style: chrX-106854200-A-G. GRCh37 (hg19) VCF-style: chrX-106097430-A-G.
Identifiers: ClinVar variation 3898718 (VCV003898718.7).

ClinVar aggregate classification (germline): Uncertain significance (1 of 4 stars; one submission).

Submission:

CeGaT Center for Human Genetics Tuebingen
Classification: Uncertain significance. Last evaluated: 2025-04-01. Review status: criteria provided, single submitter. Criteria: CeGaT Center For Human Genetics Tuebingen Variant Classification Criteria Version 2. Collection method: clinical testing. Allele origin: germline. Affected: yes. Observed: 1 variant allele.
Comment: TBC1D8B: PM2:Supporting